The following is an entry in ClinVar:

NM_001365951.3(KIF1B):c.4255C>G (p.Arg1419Gly)

Gene: KIF1B (kinesin family member 1B; plus strand). Cytogenetic location: 1p36.22.
Variant type: single nucleotide variant.
Coding change: c.4255C>G on transcript NM_001365951.3 (MANE Select); coding-DNA position 4255, C replaced by G.
Protein change: p.Arg1419Gly; replaces arginine 1419 with glycine.
Molecular consequence: missense variant.
Genome position (GRCh38, 1-based): chr1:10,361,776, C>G. VCF-style: chr1-10361776-C-G. GRCh37 (hg19) VCF-style: chr1-10421834-C-G.
Other names: c.4255C>G, p.Arg1419Gly (NM_001365952.1); c.4117C>G, p.Arg1373Gly (NM_015074.3); short protein forms R1373G, R1419G.
Identifiers: ClinVar variation 4092302 (VCV004092302.1).
Genomic context (GRCh38, chr1:10,361,776, plus strand): 5'-GTCATCACCAAGGATGTGTGCATGGTCTTCTACTCCCGAGATGCCAAGATCTCACCACCA[C>G]GCTCTCTGCGTAGCCTCTTTGGCAGCGGCTACTCAAAGTCACCAGATTCGTAAGTTTTTC-3'
Protein context (NP_001352880.1, residues 1409-1429): YSRDAKISPP[Arg1419Gly]SLRSLFGSGY

ClinVar aggregate classification (germline): Uncertain significance (1 of 4 stars; one submission).

Submission:

Ambry Genetics
Classification: Uncertain significance. Last evaluated: 2025-08-20. Review status: criteria provided, single submitter. Criteria: Ambry Variant Classification Scheme 2023. Collection method: clinical testing. Allele origin: germline.
Comment: The p.R1373G variant (also known as c.4117C>G), located in coding exon 37 of the KIF1B gene, results from a C to G substitution at nucleotide position 4117. The arginine at codon 1373 is replaced by glycine, an amino acid with dissimilar properties. This amino acid position is conserved. In addition, this alteration is predicted to be deleterious by in silico analysis. Based on the available evidence, the clinical significance of this variant remains unclear.